The following is an entry in ClinVar:

NM_018417.6(ADCY10):c.2869T>G (p.Leu957Val)

Gene: ADCY10 (adenylate cyclase 10; minus strand). Cytogenetic location: 1q24.2.
Variant type: single nucleotide variant.
Coding change: c.2869T>G on transcript NM_018417.6 (MANE Select); coding-DNA position 2869, T replaced by G.
Protein change: p.Leu957Val; replaces leucine 957 with valine.
Molecular consequence: missense variant.
Genome position (GRCh38, 1-based): chr1:167,845,701, A>C on the plus strand (T>G on the coding strand, the complement: ADCY10 is on the minus strand). VCF-style: chr1-167845701-A-C. GRCh37 (hg19) VCF-style: chr1-167814939-A-C.
Other names: c.2410T>G, p.Leu804Val (NM_001167749.3); c.2593T>G, p.Leu865Val (NM_001297772.2); short protein forms L804V, L865V, L957V.
Identifiers: ClinVar variation 4806375 (VCV004806375.1).

ClinVar aggregate classification (germline): Uncertain significance (1 of 4 stars; one submission).

Submission:

Labcorp Genetics (formerly Invitae), Labcorp
Classification: Uncertain significance. Last evaluated: 2025-12-16. Review status: criteria provided, single submitter. Criteria: Invitae Variant Classification Sherloc (09022015). Collection method: clinical testing. Allele origin: germline.
Comment: This sequence change replaces leucine, which is neutral and non-polar, with valine, which is neutral and non-polar, at codon 957 of the ADCY10 protein (p.Leu957Val). This variant is not present in population databases (gnomAD no frequency). This variant has not been reported in the literature in individuals affected with ADCY10-related conditions. An algorithm developed to predict the effect of missense changes on protein structure and function (PolyPhen-2) suggests that this variant is likely to be disruptive. In summary, the available evidence is currently insufficient to determine the role of this variant in disease. Therefore, it has been classified as a Variant of Uncertain Significance.